The following is an entry in ClinVar:

ClinVar aggregate classification (germline): Likely benign. Review status: reviewed by expert panel (3 of 4 stars). 11 submissions from 11 submitters: Likely benign (1). 10 of the submissions do not count toward it. Last evaluated 2017-06-29.

Conditions:
Hereditary breast ovarian cancer syndrome. Also called: Hereditary breast and ovarian cancer syndrome; Hereditary breast and ovarian cancer syndrome (HBOC); BRCA1- and BRCA2-Associated Hereditary Breast and Ovarian Cancer; Breast and ovarian cancer; Hereditary breast and ovarian cancer; Hereditary breast and/or ovarian cancer syndrome. Identifiers: Orphanet 145, MedGen C0677776, MeSH D061325, MONDO:0003582. Disease mechanism: loss of function.
Hereditary cancer-predisposing syndrome. Also called: Hereditary Cancer Syndrome; Hereditary neoplastic syndrome; Tumor predisposition; Neoplastic Syndromes, Hereditary. Identifiers: Orphanet 140162, MedGen C0027672, MeSH D009386, MONDO:0015356.
Breast-ovarian cancer, familial, susceptibility to, 1 (BROVCA1). Also called: OVARIAN CANCER, SUSCEPTIBILITY TO; BRCA1 Hereditary Breast and Ovarian Cancer. Identifiers: Orphanet 145, MedGen C2676676, MONDO:0011450, OMIM 604370. Disease mechanism: loss of function.
BRCA1-related disorder. Also called: BRCA1-related condition.

Allele frequency attached by ClinVar (database versions not stated): gnomAD 0.00001; gnomAD exomes 0.00001 and 0.00004; ExAC 0.00002; TOPMed 0.00002.
gnomAD v4.1: 13 of 1,613,922 alleles (0.00081%); highest among the groups gnomAD compares: East Asian, 0.027%; no homozygotes.

Submissions (11):

Evidence-based Network for the Interpretation of Germline Mutant Alleles (ENIGMA)
Classification: Likely benign for Breast-ovarian cancer, familial, susceptibility to, 1. Last evaluated: 2017-06-29. Review status: reviewed by expert panel. Criteria: ENIGMA BRCA1/2 Classification Criteria (2017-06-29). Collection method: curation. Allele origin: germline.
Comment: Synonymous substitution variant, with low bioinformatic likelihood to result in a splicing aberration (Splicing prior probability 0.02).

PreventionGenetics, part of Exact Sciences
Classification: Likely benign for BRCA1-related condition. Last evaluated: 2026-03-12. Review status: criteria provided, single submitter. Criteria: ACMG Guidelines, 2015. Collection method: clinical testing. Allele origin: germline. Not counted in ClinVar's aggregate classification.
Comment: This variant is classified as likely benign based on ACMG/AMP sequence variant interpretation guidelines (Richards et al. 2015 PMID: 25741868, with internal and published modifications).

Labcorp Genetics (formerly Invitae), Labcorp
Classification: Likely benign for Hereditary breast ovarian cancer syndrome. Last evaluated: 2025-10-26. Review status: criteria provided, single submitter. Criteria: Invitae Variant Classification Sherloc (09022015). Collection method: clinical testing. Allele origin: germline. Not counted in ClinVar's aggregate classification.

Center for Genomic Medicine, Rigshospitalet, Copenhagen University Hospital
Classification: Likely benign. Last evaluated: 2025-03-04. Review status: criteria provided, single submitter. Criteria: ACMG Guidelines, 2015. Collection method: clinical testing. Allele origin: germline. Not counted in ClinVar's aggregate classification.

All of Us Research Program, National Institutes of Health
Classification: Likely benign for Breast-ovarian cancer, familial, susceptibility to, 1. Last evaluated: 2023-09-05. Review status: criteria provided, single submitter. Criteria: ACMG Guidelines, 2015. Collection method: clinical testing. Allele origin: germline. Inheritance: Autosomal dominant inheritance. Observed: 2 variant alleles, 2 heterozygotes. Not counted in ClinVar's aggregate classification.
Comment: This study involves interpretation of variants in research participants for the purpose of population health screening. Participant phenotype was not available at the time of variant classification. Additional details can be found in publication PMID: 35346344, PMCID: PMC8962531

Quest Diagnostics Nichols Institute San Juan Capistrano
Classification: Likely benign. Last evaluated: 2020-12-23. Review status: criteria provided, single submitter. Criteria: Quest Diagnostics criteria. Collection method: clinical testing. Allele origin: unknown. Not counted in ClinVar's aggregate classification.

Mendelics
Classification: Benign for Breast-ovarian cancer, familial, susceptibility to, 1. Last evaluated: 2019-05-28. Review status: criteria provided, single submitter. Criteria: Mendelics Assertion Criteria 2017. Collection method: clinical testing. Allele origin: unknown. Not counted in ClinVar's aggregate classification.

Color Diagnostics, LLC DBA Color Health
Classification: Likely benign for Hereditary cancer-predisposing syndrome. Last evaluated: 2017-01-12. Review status: criteria provided, single submitter. Criteria: ACMG Guidelines, 2015. Collection method: clinical testing. Allele origin: germline. Not counted in ClinVar's aggregate classification.

GeneDx
Classification: Likely benign. Last evaluated: 2016-07-28. Review status: criteria provided, single submitter. Criteria: GeneDx Variant Classification (06012015). Collection method: clinical testing. Allele origin: germline. Affected: yes. Not counted in ClinVar's aggregate classification.
Comment: This variant is considered likely benign or benign based on one or more of the following criteria: it is a conservative change, it occurs at a poorly conserved position in the protein, it is predicted to be benign by multiple in silico algorithms, and/or has population frequency not consistent with disease.

Ambry Genetics
Classification: Likely benign for Hereditary cancer-predisposing syndrome. Last evaluated: 2016-06-10. Review status: criteria provided, single submitter. Criteria: Ambry Variant Classification Scheme 2023. Collection method: clinical testing. Allele origin: germline. Not counted in ClinVar's aggregate classification.

Counsyl
Classification: Likely benign for Breast-ovarian cancer, familial, susceptibility to, 1. Last evaluated: 2017-04-11. Review status: no assertion criteria provided. Collection method: clinical testing. Allele origin: unknown. Not counted in ClinVar's aggregate classification.

Literature cited by the submitters: PubMed 25337278 (cited by Quest Diagnostics Nichols Institute San Juan Capistrano and Counsyl).

NM_007294.4(BRCA1):c.1797T>C (p.Asn599=)

Gene: BRCA1 (BRCA1 DNA repair associated; minus strand). Cytogenetic location: 17q21.31.
Variant type: single nucleotide variant.
Coding change: c.1797T>C on transcript NM_007294.4 (MANE Select); coding-DNA position 1797, T replaced by C.
Protein change: p.Asn599=; no amino-acid change (asparagine 599 retained).
Molecular consequence: synonymous variant. On other transcripts: intron variant (137).
Genome position (GRCh38, 1-based): chr17:43,093,734, A>G on the plus strand (T>C on the coding strand, the complement: BRCA1 is on the minus strand). VCF-style: chr17-43093734-A-G. GRCh37 (hg19) VCF-style: chr17-41245751-A-G.
Other names: c.787+1010T>C (NM_001407968.1, NM_001407973.1, NM_001408403.1 and 19 more transcripts); c.577+1010T>C (NM_001408492.1, NM_001408513.1, NM_001408489.1 and 9 more transcripts); c.643+1010T>C (NM_001408468.1, NM_001408465.1, NM_001408463.1 and 3 more transcripts); c.523+1010T>C (NM_001408501.1, NM_001408500.1, NM_001408497.1 and 3 more transcripts); c.646+1010T>C (NM_001408455.1, NM_001408466.1, NM_001408452.1 and 11 more transcripts); c.520+1010T>C (NM_001408503.1, NM_001408505.1, NM_001408504.1); c.404-2702T>C (NM_001408511.1); c.460+2112T>C (NM_001408507.1, NM_001408506.1); and 40 more.
Identifiers: ClinVar variation 184539 (VCV000184539.27), dbSNP rs756211343, ClinGen allele CA001166.